The following is an entry in ClinVar:

NM_017831.4(RNF125):c.521G>A (p.Arg174His)

Gene: RNF125 (ring finger protein 125; plus strand). Cytogenetic location: 18q12.1.
Variant type: single nucleotide variant.
Coding change: c.521G>A on transcript NM_017831.4 (MANE Select); coding-DNA position 521, G replaced by A.
Protein change: p.Arg174His; replaces arginine 174 with histidine.
Molecular consequence: missense variant.
Genome position (GRCh38, 1-based): chr18:32,065,918, G>A. VCF-style: chr18-32065918-G-A. GRCh37 (hg19) VCF-style: chr18-29645881-G-A.
Other names: short protein forms R174H.
Identifiers: ClinVar variation 1523002 (VCV001523002.6), dbSNP rs141822083, ClinGen allele CA8930531.
Genomic context (GRCh38, chr18:32,065,918, plus strand): 5'-GATTTTAAATTCTTTCTTGAACCCCTGGTCTTGTTTGTTTCCAGTTCTGTCCACTTTGCC[G>A]TTTAATACCCGATGAGAATCCAAGCAGCTTCAGTGGCAGTTTAATAAGACATCTGCAAGT-3'
Protein context (NP_060301.2, residues 164-184): ERRPVFCPLC[Arg174His]LIPDENPSSF

ClinVar aggregate classification (germline): Uncertain significance (1 of 4 stars; one submission).

Conditions:
Tenorio syndrome (TNORS). Also called: OVERGROWTH, MACROCEPHALY, AND INTELLECTUAL DISABILITY SYNDROME. Identifiers: MedGen C4015710, MONDO:0014553, OMIM 616260.

Allele frequency attached by ClinVar (database versions not stated): gnomAD 0.00004; gnomAD exomes 0.00004; ExAC 0.00005; ESP Exome Variant Server 0.00015.
gnomAD v4.1: 26 of 1,612,268 alleles (0.0016%); highest among the groups gnomAD compares: Admixed American, 0.01%; no homozygotes.

Submission:

Labcorp Genetics (formerly Invitae), Labcorp
Classification: Uncertain significance for Tenorio syndrome. Last evaluated: 2022-07-05. Review status: criteria provided, single submitter. Criteria: Invitae Variant Classification Sherloc (09022015). Collection method: clinical testing. Allele origin: germline.
Comment: This sequence change replaces arginine, which is basic and polar, with histidine, which is basic and polar, at codon 174 of the RNF125 protein (p.Arg174His). This variant is present in population databases (rs141822083, gnomAD 0.01%). This variant has not been reported in the literature in individuals affected with RNF125-related conditions. In summary, the available evidence is currently insufficient to determine the role of this variant in disease. Therefore, it has been classified as a Variant of Uncertain Significance. This variant disrupts the p.Arg174 amino acid residue in RNF125. Other variant(s) that disrupt this residue have been determined to be pathogenic (PMID: 25196541, 34196401). This suggests that this residue is clinically significant, and that variants that disrupt this residue are likely to be disease-causing. Algorithms developed to predict the effect of sequence changes on RNA splicing suggest that this variant may disrupt the consensus splice site. Algorithms developed to predict the effect of missense changes on protein structure and function output the following: SIFT: "Tolerated"; PolyPhen-2: "Benign"; Align-GVGD: "Class C0". The histidine amino acid residue is found in multiple mammalian species, which suggests that this missense change does not adversely affect protein function. ClinVar contains an entry for this variant (Variation ID: 1523002).

Literature cited by the submitters: PubMed 25196541; PubMed 34196401.